The following is an entry in ClinVar:

ClinVar aggregate classification (germline): Uncertain significance (1 of 4 stars; one submission).

Conditions:
TH-deficient dopa-responsive dystonia. Also called: Tyrosine Hydroxylase-Deficient Dopa-Responsive Dystonia; DYT-TH; Segawa syndrome, autosomal recessive. Identifiers: Orphanet 101150, MedGen C2673535, MONDO:0011551, OMIM 605407.

Submission:

Labcorp Genetics (formerly Invitae), Labcorp
Classification: Uncertain significance for TH-deficient dopa-responsive dystonia. Last evaluated: 2025-08-21. Review status: criteria provided, single submitter. Criteria: Invitae Variant Classification Sherloc (09022015). Collection method: clinical testing. Allele origin: germline.
Comment: This sequence change falls in intron 10 of the TH gene. It does not directly change the encoded amino acid sequence of the TH protein. It affects a nucleotide within the consensus splice site. This variant is not present in population databases (gnomAD no frequency). This variant has not been reported in the literature in individuals affected with TH-related conditions. ClinVar contains an entry for this variant (Variation ID: 582879). Variants that disrupt the consensus splice site are a relatively common cause of aberrant splicing (PMID: 17576681, 9536098). Algorithms developed to predict the effect of sequence changes on RNA splicing suggest that this variant is not likely to affect RNA splicing. In summary, the available evidence is currently insufficient to determine the role of this variant in disease. Therefore, it has been classified as a Variant of Uncertain Significance.

Literature cited by the submitters: PubMed 17576681; PubMed 9536098.

NM_000360.4(TH):c.1047+3A>G

Gene: TH (tyrosine hydroxylase; minus strand). Cytogenetic location: 11p15.5.
Variant type: single nucleotide variant.
Coding change: c.1047+3A>G on transcript NM_000360.4 (MANE Select); 3 bases into the intron after coding-DNA position 1047, A replaced by G.
Molecular consequence: intron variant.
Genome position (GRCh38, 1-based): chr11:2,166,477, T>C on the plus strand (A>G on the coding strand, the complement: TH is on the minus strand). VCF-style: chr11-2166477-T-C. GRCh37 (hg19) VCF-style: chr11-2187707-T-C.
Other names: c.1128+3A>G (NM_199293.3); c.1140+3A>G (NM_199292.3).
Identifiers: ClinVar variation 582879 (VCV000582879.7), dbSNP rs1564917483, ClinGen allele CA891843084.